The following is an entry in ClinVar:

NM_024514.5(CYP2R1):c.11T>G (p.Leu4Arg)

Genes: CYP2R1 (cytochrome P450 family 2 subfamily R member 1; minus strand), PDE3B (phosphodiesterase 3B; plus strand). Cytogenetic location: 11p15.2.
Variant type: single nucleotide variant.
Coding change: c.11T>G on transcript NM_024514.5 (MANE Select); coding-DNA position 11, T replaced by G.
Protein change: p.Leu4Arg; replaces leucine 4 with arginine.
Molecular consequence: missense variant. On other transcripts: intron variant (3).
Genome position (GRCh38, 1-based): chr11:14,892,195, A>C on the plus strand (T>G on the coding strand, the complement: CYP2R1 is on the minus strand). VCF-style: chr11-14892195-A-C. GRCh37 (hg19) VCF-style: chr11-14913741-A-C.
Other names: c.2887-6750A>C (NM_001429700.1); c.2887-6761A>C (NM_001429699.1); c.-121+170T>G (NM_001400558.1); short protein forms L4R.
Identifiers: ClinVar variation 3669009 (VCV003669009.2).
Genomic context (GRCh38, chr11:14,892,195, plus strand): 5'-GCGAAGAGCAGCAGGAAGAGCGCGCCGCCGAGCGCCGCCGCGCCCTCTTCAGCTCTCCAA[A>C]GCTTCCACATCGGCCCGAGCTGGAGGTGCGAACTCCACAGCAGCCCTGAGACCCAGGCAC-3'
Protein context (NP_078790.2, residues 1-14): MWK[Leu4Arg]WRAEEGAAAL

ClinVar aggregate classification (germline): Uncertain significance (1 of 4 stars; one submission).

Submission:

Labcorp Genetics (formerly Invitae), Labcorp
Classification: Uncertain significance. Last evaluated: 2024-11-23. Review status: criteria provided, single submitter. Criteria: Invitae Variant Classification Sherloc (09022015). Collection method: clinical testing. Allele origin: germline.
Comment: This sequence change replaces leucine, which is neutral and non-polar, with arginine, which is basic and polar, at codon 4 of the CYP2R1 protein (p.Leu4Arg). This variant is not present in population databases (gnomAD no frequency). This variant has not been reported in the literature in individuals affected with CYP2R1-related conditions. Experimental studies and prediction algorithms are not available or were not evaluated, and the functional significance of this variant is currently unknown. In summary, the available evidence is currently insufficient to determine the role of this variant in disease. Therefore, it has been classified as a Variant of Uncertain Significance.